The following is an entry in ClinVar:

ClinVar aggregate classification (germline): Uncertain significance (1 of 4 stars; one submission).

Allele frequency attached by ClinVar (database versions not stated): gnomAD 0.00001; TOPMed 0.00001; ExAC 0.00002.

Submission:

Labcorp Genetics (formerly Invitae), Labcorp
Classification: Uncertain significance. Last evaluated: 2025-03-01. Review status: criteria provided, single submitter. Criteria: Invitae Variant Classification Sherloc (09022015). Collection method: clinical testing. Allele origin: germline.
Comment: This sequence change replaces valine, which is neutral and non-polar, with methionine, which is neutral and non-polar, at codon 187 of the CLCN7 protein (p.Val187Met). This variant is present in population databases (rs758175539, gnomAD 0.002%). This variant has not been reported in the literature in individuals affected with CLCN7-related conditions. ClinVar contains an entry for this variant (Variation ID: 2969606). An algorithm developed to predict the effect of missense changes on protein structure and function (PolyPhen-2) suggests that this variant is likely to be disruptive. In summary, the available evidence is currently insufficient to determine the role of this variant in disease. Therefore, it has been classified as a Variant of Uncertain Significance.

NM_001287.6(CLCN7):c.559G>A (p.Val187Met)

Gene: CLCN7 (Cl-/H+ antiporter 7; minus strand). Cytogenetic location: 16p13.3.
Variant type: single nucleotide variant.
Coding change: c.559G>A on transcript NM_001287.6 (MANE Select); coding-DNA position 559, G replaced by A.
Protein change: p.Val187Met; replaces valine 187 with methionine.
Molecular consequence: missense variant.
Genome position (GRCh38, 1-based): chr16:1,460,453, C>T on the plus strand (G>A on the coding strand, the complement: CLCN7 is on the minus strand). VCF-style: chr16-1460453-C-T. GRCh37 (hg19) VCF-style: chr16-1510454-C-T.
Other names: c.487G>A, p.Val163Met (NM_001114331.3); short protein forms V163M, V187M.
Identifiers: ClinVar variation 2969606 (VCV002969606.3), dbSNP rs758175539, ClinGen allele CA7810726.